The following is an entry in ClinVar:

ClinVar aggregate classification (germline): Uncertain significance (1 of 4 stars; one submission).

Submission:

Ambry Genetics
Classification: Uncertain significance. Last evaluated: 2023-07-05. Review status: criteria provided, single submitter. Criteria: Ambry Variant Classification Scheme 2023. Collection method: clinical testing. Allele origin: germline.
Comment: The p.C77S variant (also known as c.230G>C), located in coding exon 3 of the ALPK2 gene, results from a G to C substitution at nucleotide position 230. The cysteine at codon 77 is replaced by serine, an amino acid with dissimilar properties. This amino acid position is conserved. In addition, this alteration is predicted to be tolerated by in silico analysis. Since supporting evidence is limited at this time, the clinical significance of this alteration remains unclear.

NM_052947.4(ALPK2):c.230G>C (p.Cys77Ser)

Gene: ALPK2 (alpha kinase 2; minus strand). Cytogenetic location: 18q21.31.
Variant type: single nucleotide variant.
Coding change: c.230G>C on transcript NM_052947.4 (MANE Select); coding-DNA position 230, G replaced by C.
Protein change: p.Cys77Ser; replaces cysteine 77 with serine.
Molecular consequence: missense variant.
Genome position (GRCh38, 1-based): chr18:58,580,546, C>G on the plus strand (G>C on the coding strand, the complement: ALPK2 is on the minus strand). VCF-style: chr18-58580546-C-G. GRCh37 (hg19) VCF-style: chr18-56247778-C-G.
Other names: short protein forms C77S.
Identifiers: ClinVar variation 2625990 (VCV002625990.2), dbSNP rs1446873720, ClinGen allele CA402568440.